The following is an entry in ClinVar:

NM_206933.4(USH2A):c.8846-4A>G

Gene: USH2A (usherin; minus strand). Cytogenetic location: 1q41.
Variant type: single nucleotide variant.
Coding change: c.8846-4A>G on transcript NM_206933.4 (MANE Select); 4 bases into the intron before coding-DNA position 8846, A replaced by G.
Molecular consequence: intron variant.
Genome position (GRCh38, 1-based): chr1:215,846,037, T>C on the plus strand (A>G on the coding strand, the complement: USH2A is on the minus strand). VCF-style: chr1-215846037-T-C. GRCh37 (hg19) VCF-style: chr1-216019379-T-C.
Identifiers: ClinVar variation 796413 (VCV000796413.12), dbSNP rs746090216, ClinGen allele CA1394460.

ClinVar aggregate classification (germline): Conflicting classifications of pathogenicity. Review status: criteria provided, conflicting classifications (1 of 4 stars). 3 submissions from 3 submitters: Uncertain significance (1); Likely benign (2). Last evaluated 2026-01-24.

Allele frequency attached by ClinVar (database versions not stated): gnomAD 0.00001; gnomAD exomes 0.00001 and 0.00005; TOPMed 0.00001; ExAC 0.00004.
gnomAD v4.1: 10 of 1,613,120 alleles (0.00062%); highest among the groups gnomAD compares: East Asian, 0.02%; no homozygotes.

Submissions (3):

Labcorp Genetics (formerly Invitae), Labcorp
Classification: Likely benign. Last evaluated: 2026-01-24. Review status: criteria provided, single submitter. Criteria: Invitae Variant Classification Sherloc (09022015). Collection method: clinical testing. Allele origin: germline.

GeneDx
Classification: Uncertain significance. Last evaluated: 2024-12-12. Review status: criteria provided, single submitter. Criteria: GeneDx Variant Classification Process June 2021. Collection method: clinical testing. Allele origin: germline. Affected: yes.
Comment: See Variant Classification Assertion Criteria.

Blueprint Genetics
Classification: Likely benign. Last evaluated: 2024-04-22. Review status: criteria provided, single submitter. Criteria: ACMG Guidelines, 2015. Collection method: clinical testing. Allele origin: germline.